The following is an entry in ClinVar:

NM_000023.4(SGCA):c.748-3C>T

Gene: SGCA (sarcoglycan alpha; plus strand). Cytogenetic location: 17q21.33.
Variant type: single nucleotide variant.
Coding change: c.748-3C>T on transcript NM_000023.4 (MANE Select); 3 bases into the intron before coding-DNA position 748, C replaced by T.
Molecular consequence: intron variant.
Genome position (GRCh38, 1-based): chr17:50,170,140, C>T. VCF-style: chr17-50170140-C-T. GRCh37 (hg19) VCF-style: chr17-48247501-C-T.
Other names: c.585-500C>T (NM_001135697.3).
Identifiers: ClinVar variation 198383 (VCV000198383.11), dbSNP rs794727834, ClinGen allele CA247009.

ClinVar aggregate classification (germline): Uncertain significance. Review status: criteria provided, multiple submitters, no conflicts (2 of 4 stars). 4 submissions from 4 submitters: Uncertain significance (4). Last evaluated 2025-05-06.

Conditions:
Autosomal recessive limb-girdle muscular dystrophy type 2D (LGMDR3). Also called: MUSCULAR DYSTROPHY, LIMB-GIRDLE, AUTOSOMAL RECESSIVE 3; DUCHENNE-LIKE AUTOSOMAL RECESSIVE MUSCULAR DYSTROPHY, TYPE 2; ADHALINOPATHY, PRIMARY. Identifiers: Orphanet 62, MedGen C2936332, MONDO:0011968, OMIM 608099. Disease mechanism: Affects gamma-sarcoglycan and also disrupts the integrity of the entire sarcoglycan complex..

Allele frequency attached by ClinVar (database versions not stated): gnomAD 0.00001; gnomAD exomes 0.00001; TOPMed 0.00001.
gnomAD v4.1: 23 of 1,613,536 alleles (0.0014%); highest among the groups gnomAD compares: Non-Finnish European, 0.0019%; no homozygotes.

Submissions (4):

Revvity Omics, Revvity
Classification: Uncertain significance for Autosomal recessive limb-girdle muscular dystrophy type 2D. Last evaluated: 2025-05-06. Review status: criteria provided, single submitter. Criteria: ACMG Guidelines, 2015. Collection method: clinical testing. Allele origin: germline.

Genome-Nilou Lab
Classification: Uncertain significance for Autosomal recessive limb-girdle muscular dystrophy type 2D. Last evaluated: 2023-02-08. Review status: criteria provided, single submitter. Criteria: ACMG Guidelines, 2015. Collection method: clinical testing. Allele origin: germline.

Labcorp Genetics (formerly Invitae), Labcorp
Classification: Uncertain significance for Autosomal recessive limb-girdle muscular dystrophy type 2D. Last evaluated: 2021-09-24. Review status: criteria provided, single submitter. Criteria: Invitae Variant Classification Sherloc (09022015). Collection method: clinical testing. Allele origin: germline.
Comment: This sequence change falls in intron 6 of the SGCA gene. It does not directly change the encoded amino acid sequence of the SGCA protein, but it affects a nucleotide within the consensus splice site of the intron. This variant is not present in population databases (ExAC no frequency). This variant has not been reported in the literature in individuals with SGCA-related conditions. ClinVar contains an entry for this variant (Variation ID: 198383). Nucleotide substitutions within the consensus splice site are a relatively common cause of aberrant splicing (PMID: 17576681, 9536098). Algorithms developed to predict the effect of sequence changes on RNA splicing suggest that this variant may create or strengthen a splice site, but this prediction has not been confirmed by published transcriptional studies. In summary, the available evidence is currently insufficient to determine the role of this variant in disease. Therefore, it has been classified as a Variant of Uncertain Significance.

Eurofins Ntd Llc (ga)
Classification: Uncertain significance. Last evaluated: 2015-05-05. Review status: criteria provided, single submitter. Criteria: EGL Classification Definitions 2015. Collection method: clinical testing. Allele origin: germline. Observed: 1 variant allele, 1 heterozygote.

Literature cited by the submitters: PubMed 17576681 (cited by Labcorp Genetics (formerly Invitae), Labcorp); PubMed 9536098 (cited by Labcorp Genetics (formerly Invitae), Labcorp).